The following is an entry in ClinVar:

ClinVar aggregate classification (germline): Likely benign (1 of 4 stars; one submission).

gnomAD v4.1: 1 of 1,614,010 alleles (0.000062%); highest among the groups gnomAD compares: Non-Finnish European, 0.000085%; no homozygotes.

Submission:

CeGaT Center for Human Genetics Tuebingen
Classification: Likely benign. Last evaluated: 2023-03-01. Review status: criteria provided, single submitter. Criteria: CeGaT Center For Human Genetics Tuebingen Variant Classification Criteria Version 2. Collection method: clinical testing. Allele origin: germline. Affected: yes. Observed: 1 variant allele.
Comment: FLG: PM2:Supporting, BP4, BP7

NM_002016.2(FLG):c.12145C>T (p.Leu4049=)

Genes: CCDST (cervical cancer associated DHX9 suppressive transcript; plus strand), FLG (filaggrin; minus strand). Cytogenetic location: 1q21.3.
Variant type: single nucleotide variant.
Coding change: c.12145C>T on transcript NM_002016.2 (MANE Select); coding-DNA position 12145, C replaced by T.
Protein change: p.Leu4049=; no amino-acid change (leucine 4049 retained).
Molecular consequence: synonymous variant.
Genome position (GRCh38, 1-based): chr1:152,302,741, G>A on the plus strand (C>T on the coding strand, the complement: FLG is on the minus strand). VCF-style: chr1-152302741-G-A. GRCh37 (hg19) VCF-style: chr1-152275217-G-A.
Identifiers: ClinVar variation 2639219 (VCV002639219.24), dbSNP rs746954478, ClinGen allele CA30595948.